The following is an entry in ClinVar:

ClinVar aggregate classification (germline): Uncertain significance (1 of 4 stars; one submission).

Conditions:
EP300-related disorder. Also called: EP300-related condition; EP300-related disorders.

gnomAD v4.1: 4 of 1,610,270 alleles (0.00025%); highest among the groups gnomAD compares: African/African-American, 0.0054%; no homozygotes.

Submission:

PreventionGenetics, part of Exact Sciences
Classification: Uncertain significance for EP300-related condition. Last evaluated: 2025-04-15. Review status: criteria provided, single submitter. Criteria: ACMG Guidelines, 2015. Collection method: clinical testing. Allele origin: germline.
Comment: The EP300 c.5551A>G variant is predicted to result in the amino acid substitution p.Thr1851Ala. To our knowledge, this variant has not been reported in the literature. This variant is reported in 0.012% of alleles in individuals of African descent in gnomAD. At this time, the clinical significance of this variant is uncertain due to the absence of conclusive functional and genetic evidence.

NM_001429.4(EP300):c.5551A>G (p.Thr1851Ala)

Gene: EP300 (EP300 lysine acetyltransferase; plus strand). Cytogenetic location: 22q13.2.
Variant type: single nucleotide variant.
Coding change: c.5551A>G on transcript NM_001429.4 (MANE Select); coding-DNA position 5551, A replaced by G.
Protein change: p.Thr1851Ala; replaces threonine 1851 with alanine.
Molecular consequence: missense variant.
Genome position (GRCh38, 1-based): chr22:41,177,262, A>G. VCF-style: chr22-41177262-A-G. GRCh37 (hg19) VCF-style: chr22-41573266-A-G.
Other names: c.5473A>G, p.Thr1825Ala (NM_001362843.2); short protein forms T1825A, T1851A.
Identifiers: ClinVar variation 4999324 (VCV004999324.1).